The following is an entry in ClinVar:

ClinVar aggregate classification (germline): Pathogenic (1 of 4 stars; one submission).

Allele frequency attached by ClinVar (database versions not stated): gnomAD exomes below 0.00001.

Submission:

Labcorp Genetics (formerly Invitae), Labcorp
Classification: Pathogenic. Last evaluated: 2023-11-19. Review status: criteria provided, single submitter. Criteria: Invitae Variant Classification Sherloc (09022015). Collection method: clinical testing. Allele origin: germline.
Comment: This sequence change creates a premature translational stop signal (p.Ile821Asnfs*6) in the TRIM37 gene. It is expected to result in an absent or disrupted protein product. Loss-of-function variants in TRIM37 are known to be pathogenic (PMID: 10888877, 15108285). This variant is not present in population databases (gnomAD no frequency). This premature translational stop signal has been observed in individual(s) with mulibrey nanism (PMID: 29758562). For these reasons, this variant has been classified as Pathogenic.

Literature cited by the submitters: PubMed 10888877; PubMed 15108285; PubMed 29758562.

NM_015294.6(TRIM37):c.2461dup (p.Ile821fs)

Gene: TRIM37 (tripartite motif containing 37; minus strand). Cytogenetic location: 17q22.
Variant type: Duplication.
Coding change: c.2461dup on transcript NM_015294.6 (MANE Select); coding-DNA position 2461, one base duplicated (A; older notation c.2461dupA).
Protein change: p.Ile821fs; shifts the reading frame from isoleucine 821.
Molecular consequence: frameshift variant. On other transcripts: non-coding transcript variant (2).
Genome position (GRCh38, 1-based): chr17:59,015,725, T duplicated on the plus strand (A on the coding strand, the reverse complement: TRIM37 is on the minus strand). VCF-style (leftmost placement, unchanged base first): chr17-59015724-A-AT. GRCh37 (hg19) VCF-style: chr17-57093085-A-AT.
Other names: c.2461dup, p.Ile821fs (NM_001005207.5, NM_001320988.3, NM_001320989.3 and 1 more transcripts); c.2359dup, p.Ile787fs (NM_001320987.3, NM_001353082.2); c.2095dup, p.Ile699fs (NM_001320990.3); c.1726dup, p.Ile576fs (NM_001353083.2); c.1999dup, p.Ile667fs (NM_001353085.2); c.2410dup, p.Ile804fs (NM_001353086.2); short protein forms I667fs, I804fs, I821fs, I576fs, I699fs, I787fs.
Identifiers: ClinVar variation 2910435 (VCV002910435.3), dbSNP rs2544958956, ClinGen allele CA2576336849.